The following is an entry in ClinVar:

NM_000152.5(GAA):c.2757C>T (p.Asn919=)

Gene: GAA (alpha glucosidase; plus strand). Cytogenetic location: 17q25.3.
Variant type: single nucleotide variant.
Coding change: c.2757C>T on transcript NM_000152.5 (MANE Select); coding-DNA position 2757, C replaced by T.
Protein change: p.Asn919=; no amino-acid change (asparagine 919 retained).
Molecular consequence: synonymous variant.
Genome position (GRCh38, 1-based): chr17:80,118,763, C>T. VCF-style: chr17-80118763-C-T. GRCh37 (hg19) VCF-style: chr17-78092562-C-T.
Other names: c.2757C>T (NM_000152.4); c.2757C>T, p.Asn919= (NM_001079803.3, NM_001079804.3).
Identifiers: ClinVar variation 729786 (VCV000729786.36), dbSNP rs766916186, ClinGen allele CA8815850.

ClinVar aggregate classification (germline): Likely benign. Review status: criteria provided, multiple submitters, no conflicts (2 of 4 stars). 5 submissions from 5 submitters: Likely benign (4). 1 of the submissions does not count toward it. Last evaluated 2026-07-01.

Conditions:
Cardiovascular phenotype. Identifiers: MedGen CN230736.
GAA-related disorder. Also called: GAA-related condition.
Glycogen storage disease, type II (IOPD). Also called: CARDIOMEGALIA GLYCOGENICA DIFFUSA; GLYCOGENOSIS, GENERALIZED, CARDIAC FORM; GSD II; POMPE DISEASE, INFANTILE-ONSET; GLYCOGEN STORAGE DISEASE II, INFANTILE-ONSET; ACID ALPHA-GLUCOSIDASE DEFICIENCY, INFANTILE-ONSET. Identifiers: Orphanet 365, MedGen C0017921, MONDO:0009290, OMIM 232300.

Allele frequency attached by ClinVar (database versions not stated): gnomAD exomes 0.00002 and 0.00004; TOPMed 0.00002; gnomAD 0.00003; ExAC 0.00005.
gnomAD v4.1: 32 of 1,613,436 alleles (0.002%); highest among the groups gnomAD compares: Middle Eastern, 0.016%; no homozygotes.

Submissions (5):

Genomenon, Inc
Classification: Likely benign for Glycogen storage disease, type II. Last evaluated: 2026-07-01. Review status: criteria provided, single submitter. Criteria: Genomenon Sequence Variant Interpretation Standards - Updated. Collection method: curation. Allele origin: germline. Affected: no.
Comment: GAA c.2757C>T is a synonymous variant that retains Asparagine at codon 919. This variant has been reported in the published literature (PMID:29149851). It is absent or not present at a significant frequency in gnomAD. This variant is not predicted to impact splicing. In conclusion, we classify GAA c.2757C>T (p.Asn919=) as a likely benign variant.

Labcorp Genetics (formerly Invitae), Labcorp
Classification: Likely benign for Glycogen storage disease, type II. Last evaluated: 2025-12-22. Review status: criteria provided, single submitter. Criteria: Invitae Variant Classification Sherloc (09022015). Collection method: clinical testing. Allele origin: germline.

CeGaT Center for Human Genetics Tuebingen
Classification: Likely benign. Last evaluated: 2024-05-01. Review status: criteria provided, single submitter. Criteria: CeGaT Center For Human Genetics Tuebingen Variant Classification Criteria Version 2. Collection method: clinical testing. Allele origin: germline. Affected: yes. Observed: 2 variant alleles.
Comment: GAA: BP4, BP7

Ambry Genetics
Classification: Likely benign for Cardiovascular phenotype. Last evaluated: 2022-11-19. Review status: criteria provided, single submitter. Criteria: Ambry Variant Classification Scheme 2023. Collection method: clinical testing. Allele origin: germline.

PreventionGenetics, part of Exact Sciences
Classification: Likely benign for GAA-related condition. Last evaluated: 2024-03-21. Review status: no assertion criteria provided. Collection method: clinical testing. Allele origin: germline. Not counted in ClinVar's aggregate classification.
Comment: This variant is classified as likely benign based on ACMG/AMP sequence variant interpretation guidelines (Richards et al. 2015 PMID: 25741868, with internal and published modifications).

Literature cited by the submitters: PubMed 29149851 (cited by Genomenon, Inc).